The following is an entry in ClinVar:

ClinVar aggregate classification (germline): Uncertain significance (1 of 4 stars; one submission).

Conditions:
Hereditary cancer-predisposing syndrome. Also called: Neoplastic Syndromes, Hereditary; Tumor predisposition; Hereditary Cancer Syndrome; Hereditary neoplastic syndrome. Identifiers: Orphanet 140162, MedGen C0027672, MeSH D009386, MONDO:0015356.

Submission:

Ambry Genetics
Classification: Uncertain significance for Hereditary cancer-predisposing syndrome. Last evaluated: 2021-07-31. Review status: criteria provided, single submitter. Criteria: Ambry Variant Classification Scheme 2023. Collection method: clinical testing. Allele origin: germline.
Comment: The p.T527A variant (also known as c.1579A>G), located in coding exon 5 of the AXIN2 gene, results from an A to G substitution at nucleotide position 1579. The threonine at codon 527 is replaced by alanine, an amino acid with similar properties. This amino acid position is conserved. In addition, this alteration is predicted to be tolerated by in silico analysis. Since supporting evidence is limited at this time, the clinical significance of this alteration remains unclear.

NM_004655.4(AXIN2):c.1579A>G (p.Thr527Ala)

Gene: AXIN2 (axin 2; minus strand). Cytogenetic location: 17q24.1.
Variant type: single nucleotide variant.
Coding change: c.1579A>G on transcript NM_004655.4 (MANE Select); coding-DNA position 1579, A replaced by G.
Protein change: p.Thr527Ala; replaces threonine 527 with alanine.
Molecular consequence: missense variant.
Genome position (GRCh38, 1-based): chr17:65,537,457, T>C on the plus strand (A>G on the coding strand, the complement: AXIN2 is on the minus strand). VCF-style: chr17-65537457-T-C. GRCh37 (hg19) VCF-style: chr17-63533575-T-C.
Other names: c.1579A>G, p.Thr527Ala (NM_001363813.1); short protein forms T527A.
Identifiers: ClinVar variation 1775633 (VCV001775633.2), dbSNP rs2509412782, ClinGen allele CA400677224.